The following is an entry in ClinVar:

ClinVar aggregate classification (germline): Uncertain significance. Review status: criteria provided, multiple submitters, no conflicts (2 of 4 stars). 2 submissions from 2 submitters: Uncertain significance (2). Last evaluated 2024-08-05.

Allele frequency attached by ClinVar (database versions not stated): TOPMed 0.00002; gnomAD exomes 0.00003 and 0.00004; gnomAD 0.00004 and 0.00005; ExAC 0.00008; ESP Exome Variant Server 0.00008; 1000 Genomes Project 30x 0.00016; 1000 Genomes Project 0.00020.
gnomAD v4.1: 50 of 1,612,620 alleles (0.0031%); highest among the groups gnomAD compares: South Asian, 0.0088%; no homozygotes.

Submissions (2):

Labcorp Genetics (formerly Invitae), Labcorp
Classification: Uncertain significance. Last evaluated: 2024-08-05. Review status: criteria provided, single submitter. Criteria: Invitae Variant Classification Sherloc (09022015). Collection method: clinical testing. Allele origin: germline.
Comment: This sequence change replaces arginine, which is basic and polar, with histidine, which is basic and polar, at codon 95 of the SCO2 protein (p.Arg95His). This variant is present in population databases (rs373674489, gnomAD 0.02%). This variant has not been reported in the literature in individuals affected with SCO2-related conditions. ClinVar contains an entry for this variant (Variation ID: 1056906). Advanced modeling of protein sequence and biophysical properties (such as structural, functional, and spatial information, amino acid conservation, physicochemical variation, residue mobility, and thermodynamic stability) performed at Invitae indicates that this missense variant is not expected to disrupt SCO2 protein function with a negative predictive value of 80%. In summary, the available evidence is currently insufficient to determine the role of this variant in disease. Therefore, it has been classified as a Variant of Uncertain Significance.

Revvity Omics, Revvity
Classification: Uncertain significance. Last evaluated: 2019-06-03. Review status: criteria provided, single submitter. Criteria: ACMG Guidelines, 2015. Collection method: clinical testing. Allele origin: germline.

NM_005138.3(SCO2):c.284G>A (p.Arg95His)

Genes: SCO2 (synthesis of cytochrome C oxidase 2; minus strand), NCAPH2 (non-SMC condensin II complex subunit H2; plus strand). Cytogenetic location: 22q13.33.
Variant type: single nucleotide variant.
Coding change: c.284G>A on transcript NM_005138.3 (MANE Select); coding-DNA position 284, G replaced by A.
Protein change: p.Arg95His; replaces arginine 95 with histidine.
Molecular consequence: missense variant. On other transcripts: 3 prime UTR variant (2).
Genome position (GRCh38, 1-based): chr22:50,524,128, C>T on the plus strand (G>A on the coding strand, the complement: SCO2 is on the minus strand). VCF-style: chr22-50524128-C-T. GRCh37 (hg19) VCF-style: chr22-50962557-C-T.
Other names: c.*753C>T (NM_001185011.2, NM_152299.4); c.284G>A, p.Arg95His (NM_001169109.2, NM_001169110.1, NM_001169111.2); short protein forms R95H.
Identifiers: ClinVar variation 1056906 (VCV001056906.11), dbSNP rs373674489, ClinGen allele CA10321243.